The following is an entry in ClinVar:

ClinVar aggregate classification (germline): Uncertain significance. Review status: criteria provided, multiple submitters, no conflicts (2 of 4 stars). 2 submissions from 2 submitters: Uncertain significance (2). Last evaluated 2024-08-11.

Conditions:
Hereditary cancer-predisposing syndrome. Also called: Neoplastic Syndromes, Hereditary; Hereditary Cancer Syndrome; Tumor predisposition; Hereditary neoplastic syndrome. Identifiers: Orphanet 140162, MedGen C0027672, MeSH D009386, MONDO:0015356.

Submissions (2):

Ambry Genetics
Classification: Uncertain significance for Hereditary cancer-predisposing syndrome. Last evaluated: 2024-08-11. Review status: criteria provided, single submitter. Criteria: Ambry Variant Classification Scheme 2023. Collection method: clinical testing. Allele origin: germline.
Comment: The p.I764M variant (also known as c.2292A>G), located in coding exon 11 of the BARD1 gene, results from an A to G substitution at nucleotide position 2292. The isoleucine at codon 764 is replaced by methionine, an amino acid with highly similar properties. This amino acid position is well conserved in available vertebrate species. In addition, this alteration is predicted to be tolerated by in silico analysis. Since supporting evidence is limited at this time, the clinical significance of this alteration remains unclear.

Women's Health and Genetics/Laboratory Corporation of America, LabCorp
Classification: Uncertain significance. Last evaluated: 2019-02-27. Review status: criteria provided, single submitter. Criteria: LabCorp Variant Classification Summary - May 2015. Collection method: clinical testing. Allele origin: germline.
Comment: Variant summary: BARD1 c.2292A>G (p.Ile764Met) results in a conservative amino acid change located in the BRCT domain of the encoded protein sequence. Three of five in-silico tools predict a damaging effect of the variant on protein function. The variant was absent in 245992 control chromosomes. The available data on variant occurrences in the general population are insufficient to allow any conclusion about variant significance. To our knowledge, no occurrence of c.2292A>G in individuals affected with Hereditary Breast and Ovarian Cancer and no experimental evidence demonstrating its impact on protein function have been reported. No clinical diagnostic laboratories have submitted clinical-significance assessments for this variant to ClinVar after 2014. Based on the evidence outlined above, the variant was classified as uncertain significance.

NM_000465.4(BARD1):c.2292A>G (p.Ile764Met)

Gene: BARD1 (BRCA1 associated RING domain 1; minus strand). Cytogenetic location: 2q35.
Variant type: single nucleotide variant.
Coding change: c.2292A>G on transcript NM_000465.4 (MANE Select); coding-DNA position 2292, A replaced by G.
Protein change: p.Ile764Met; replaces isoleucine 764 with methionine.
Molecular consequence: missense variant. On other transcripts: non-coding transcript variant (3).
Genome position (GRCh38, 1-based): chr2:214,728,718, T>C on the plus strand (A>G on the coding strand, the complement: BARD1 is on the minus strand). VCF-style: chr2-214728718-T-C. GRCh37 (hg19) VCF-style: chr2-215593442-T-C.
Other names: c.2235A>G, p.Ile745Met (NM_001282543.2); c.939A>G, p.Ile313Met (NM_001282545.2); c.882A>G, p.Ile294Met (NM_001282548.2); c.753A>G, p.Ile251Met (NM_001282549.2); short protein forms I251M, I294M, I313M, I745M, I764M.
Identifiers: ClinVar variation 928708 (VCV000928708.4), dbSNP rs1692192973, ClinGen allele CA350449857.
Genomic context (GRCh38, chr2:214,728,718, plus strand): 5'-GTTCATCTGGTATAATATTCAGCTGTCAAGAGGAAGCAACTCAAAGGACATCACACAGTC[T>C]ATAAACCAGCTCGAAGGAGCCTTCCAGACTTTGCCCTGCCGAACCCTCTCTGGGTGATAA-3'
Protein context (NP_000456.2, residues 754-774): KVWKAPSSWF[Ile764Met]DCVMSFELLP